The following is an entry in ClinVar:

NM_006922.4(SCN3A):c.5276T>A (p.Phe1759Tyr)

Gene: SCN3A (sodium voltage-gated channel alpha subunit 3; minus strand). Cytogenetic location: 2q24.3.
Variant type: single nucleotide variant.
Coding change: c.5276T>A on transcript NM_006922.4 (MANE Select); coding-DNA position 5276, T replaced by A.
Protein change: p.Phe1759Tyr; replaces phenylalanine 1759 with tyrosine.
Molecular consequence: missense variant.
Genome position (GRCh38, 1-based): chr2:165,090,877, A>T on the plus strand (T>A on the coding strand, the complement: SCN3A is on the minus strand). VCF-style: chr2-165090877-A-T. GRCh37 (hg19) VCF-style: chr2-165947387-A-T.
Other names: c.5129T>A, p.Phe1710Tyr (NM_001081676.2, NM_001081677.2); short protein forms F1710Y, F1759Y.
Identifiers: ClinVar variation 3067169 (VCV003067169.2), dbSNP rs2468039733, ClinGen allele CA349016250.

Conditions:
Developmental and epileptic encephalopathy. Identifiers: MedGen C5779964, MONDO:0100620.

Submission:

Channelopathy-Associated Epilepsy Research Center
No classification provided (evidence only). Condition: Developmental and epileptic encephalopathy. Review status: no classification provided. Collection method: literature only. Allele origin: not applicable. Functional consequence: Moderate depolarizing shift of voltage dependence of activation, Mild depolarizing shift of voltage dependence of fast inactivation, Mild decrease in peak current, Moderate increase in persistent current, Normal slope of fast inactivation, Overall mixed or unclear functional effect not able to be clearly categorized as Gain- or Loss-of-Function.
ClinVar note: "not provided" was previously submitted as the classification for the variant. However, the classification appeared to be based only on an observation of functional data so it was converted to no classification on 2025-07-30.

Literature cited by the submitters: PubMed 30146301.